The following is an entry in ClinVar:

ClinVar aggregate classification (germline): Uncertain significance (1 of 4 stars; one submission).

Allele frequency attached by ClinVar (database versions not stated): ExAC 0.00001; gnomAD exomes 0.00001.
gnomAD v4.1: 3 of 1,614,114 alleles (0.00019%); highest among the groups gnomAD compares: East Asian, 0.0067%; no homozygotes.

Submission:

Labcorp Genetics (formerly Invitae), Labcorp
Classification: Uncertain significance. Last evaluated: 2025-04-14. Review status: criteria provided, single submitter. Criteria: Invitae Variant Classification Sherloc (09022015). Collection method: clinical testing. Allele origin: germline.
Comment: This sequence change replaces arginine, which is basic and polar, with glutamine, which is neutral and polar, at codon 24 of the ANGPT1 protein (p.Arg24Gln). This variant is present in population databases (rs765372746, gnomAD 0.01%). This variant has not been reported in the literature in individuals affected with ANGPT1-related conditions. ClinVar contains an entry for this variant (Variation ID: 2782279). An algorithm developed to predict the effect of missense changes on protein structure and function (PolyPhen-2) suggests that this variant is likely to be tolerated. In summary, the available evidence is currently insufficient to determine the role of this variant in disease. Therefore, it has been classified as a Variant of Uncertain Significance.

NM_001146.5(ANGPT1):c.71G>A (p.Arg24Gln)

Gene: ANGPT1 (angiopoietin 1; minus strand). Cytogenetic location: 8q23.1.
Variant type: single nucleotide variant.
Coding change: c.71G>A on transcript NM_001146.5 (MANE Select); coding-DNA position 71, G replaced by A.
Protein change: p.Arg24Gln; replaces arginine 24 with glutamine.
Molecular consequence: missense variant.
Genome position (GRCh38, 1-based): chr8:107,497,488, C>T on the plus strand (G>A on the coding strand, the complement: ANGPT1 is on the minus strand). VCF-style: chr8-107497488-C-T. GRCh37 (hg19) VCF-style: chr8-108509716-C-T.
Other names: c.71G>A, p.Arg24Gln (NM_001199859.3); short protein forms R24Q.
Identifiers: ClinVar variation 2782279 (VCV002782279.3), dbSNP rs765372746, ClinGen allele CA4841449.